The following is an entry in ClinVar:

ClinVar aggregate classification (germline): Uncertain significance (1 of 4 stars; one submission).

Conditions:
Hereditary cancer-predisposing syndrome. Also called: Neoplastic Syndromes, Hereditary; Hereditary neoplastic syndrome; Tumor predisposition; Hereditary Cancer Syndrome. Identifiers: Orphanet 140162, MedGen C0027672, MeSH D009386, MONDO:0015356.

Submission:

Ambry Genetics
Classification: Uncertain significance for Hereditary cancer-predisposing syndrome. Last evaluated: 2026-02-16. Review status: criteria provided, single submitter. Criteria: Ambry Variant Classification Scheme 2023. Collection method: clinical testing. Allele origin: germline.
Comment: The p.M470R variant (also known as c.1409T>G), located in coding exon 6 of the ALK gene, results from a T to G substitution at nucleotide position 1409. The methionine at codon 470 is replaced by arginine, an amino acid with similar properties. This amino acid position is conserved. In addition, the in silico prediction for this alteration is inconclusive. Based on the available evidence, the clinical significance of this variant remains unclear.

NM_004304.5(ALK):c.1409T>G (p.Met470Arg)

Gene: ALK (ALK receptor tyrosine kinase; minus strand). Cytogenetic location: 2p23.2.
Variant type: single nucleotide variant.
Coding change: c.1409T>G on transcript NM_004304.5 (MANE Select); coding-DNA position 1409, T replaced by G.
Protein change: p.Met470Arg; replaces methionine 470 with arginine.
Molecular consequence: missense variant.
Genome position (GRCh38, 1-based): chr2:29,328,355, A>C on the plus strand (T>G on the coding strand, the complement: ALK is on the minus strand). VCF-style: chr2-29328355-A-C. GRCh37 (hg19) VCF-style: chr2-29551221-A-C.
Other names: short protein forms M470R.
Identifiers: ClinVar variation 4824829 (VCV004824829.1).